The following is an entry in ClinVar:

ClinVar aggregate classification (germline): Pathogenic/Likely pathogenic. Review status: criteria provided, multiple submitters, no conflicts (2 of 4 stars). 7 submissions from 6 submitters: Pathogenic (1); Likely pathogenic (6). Last evaluated 2025-09-24.

Conditions:
Female infertility. Identifiers: MedGen C0021361, MONDO:0021124, HP:0008222.
Premature menopause. Identifiers: MedGen C0025322, MONDO:0001119.
Abnormality of the ovary. Identifiers: MedGen C4021818, MONDO:0005558, HP:0000137.
Premature ovarian failure 8 (POF8). Identifiers: MedGen C3810367, MONDO:0014321, OMIM 615723.
Spermatogenic failure 61 (SPGF61). Identifiers: MedGen C5562048, MONDO:0030507, OMIM 619672.
STAG3-related disorder. Also called: STAG3-related condition.

Allele frequency attached by ClinVar (database versions not stated): ExAC 0.00003; TOPMed 0.00005; gnomAD 0.00001; gnomAD exomes 0.00006.
gnomAD v4.1: 105 of 1,613,914 alleles (0.0065%); highest among the groups gnomAD compares: Non-Finnish European, 0.0085%; no homozygotes.

Submissions (7):

First Genomix Gene Laboratory, Genetic Diagnostics Department
Classification: Likely pathogenic for Premature ovarian failure 8; Spermatogenic failure 61. Last evaluated: 2025-09-24. Review status: criteria provided, single submitter. Criteria: ACMG Guidelines, 2015. Collection method: clinical testing. Allele origin: germline. Inheritance: Autosomal recessive inheritance. Affected: no. Observed: 1 variant allele.

Blueprint Genetics
Classification: Pathogenic for STAG3-related disorders. Last evaluated: 2024-11-12. Review status: criteria provided, single submitter. Criteria: ACMG Guidelines, 2015. Collection method: clinical testing. Allele origin: germline. Affected: yes. Observed: 5 variant alleles.

Department of Pathology and Laboratory Medicine, Sinai Health System
Classification: Likely pathogenic for Premature ovarian failure 8. Last evaluated: 2023-02-02. Review status: criteria provided, single submitter. Criteria: ACMG Guidelines, 2015. Collection method: research. Allele origin: germline.

Revvity Omics, Revvity
Classification: Likely pathogenic. Last evaluated: 2021-08-24. Review status: criteria provided, single submitter. Criteria: ACMG Guidelines, 2015. Collection method: clinical testing. Allele origin: germline.

Breda Genetics srl
Classification: Likely pathogenic for Premature ovarian failure 8. Last evaluated: 2019-09-16. Review status: criteria provided, single submitter. Criteria: ACMG Guidelines, 2015. Collection method: clinical testing. Allele origin: germline. Inheritance: Autosomal recessive inheritance. Affected: yes. Observed: 1 variant allele, 1 compound heterozygote.
Comment: The variant is reported as likely pathogenic for premature ovarian failure in ClinVar (Variation ID: 374000). It creates a premature stop codon at amino acid position Arg926. The variant is reported with an estimated allele frequency of 0.00005968 in gnomAD exomes, with no homozygous individuals reported.

Centre for Mendelian Genomics, University Medical Centre Ljubljana
Classification: Likely pathogenic for Female infertility; Premature ovarian insufficiency. Last evaluated: 2014-10-15. Review status: criteria provided, single submitter. Criteria: ACMG Guidelines, 2015. Collection method: clinical testing. Allele origin: unknown. Affected: yes.

Centre for Mendelian Genomics, University Medical Centre Ljubljana
Classification: Likely pathogenic for Abnormality of the ovary; Premature ovarian insufficiency. Last evaluated: 2014-10-15. Review status: criteria provided, single submitter. Criteria: ACMG Guidelines, 2015. Collection method: clinical testing. Allele origin: unknown. Affected: yes.

NM_001282717.2(STAG3):c.2776C>T (p.Arg926Ter)

Gene: STAG3 (STAG3 cohesin complex component; plus strand). Cytogenetic location: 7q22.1.
Variant type: single nucleotide variant.
Coding change: c.2776C>T on transcript NM_001282717.2 (MANE Select); coding-DNA position 2776, C replaced by T.
Protein change: p.Arg926Ter; replaces arginine 926 with a stop codon.
Molecular consequence: nonsense.
Genome position (GRCh38, 1-based): chr7:100,204,096, C>T. VCF-style: chr7-100204096-C-T. GRCh37 (hg19) VCF-style: chr7-99801719-C-T.
Other names: c.2776C>T, p.Arg926Ter (NM_001282716.1, NM_001375438.1, NM_012447.4); c.2602C>T, p.Arg868Ter (NM_001282718.2); short protein forms R926*, R868*.
Identifiers: ClinVar variation 374000 (VCV000374000.11), dbSNP rs764841861, ClinGen allele CA4378850.
Genomic context (GRCh38, chr7:100,204,096, plus strand): 5'-GGTGACATTATCAAGGAAACATTAACTAGAGCAAGGCAGATTGACCGAAGTCATTGTTCC[C>T]GAATCCTGCTGCTGAGCCTCAAGCAGGTGCGCCCTTCTGCCTTGAGGACATGCCAGCCCT-3'